The following is an entry in ClinVar:

NM_002692.4(POLE2):c.756-15_756-11del

Gene: POLE2 (DNA polymerase epsilon 2, accessory subunit; minus strand). Cytogenetic location: 14q21.3.
Variant type: Deletion.
Coding change: c.756-15_756-11del on transcript NM_002692.4 (MANE Select); 15 bases into the intron before coding-DNA position 756 through 11 bases into the intron before coding-DNA position 756, 5 bases deleted (GTTAT; older notation c.756-15_756-11delGTTAT).
Molecular consequence: intron variant.
Genome position (GRCh38, 1-based): chr14:49,655,854-49,655,858, ATAAC deleted on the plus strand (GTTAT on the coding strand, the reverse complement: POLE2 is on the minus strand); deleting any 5 consecutive bases within chr14:49,655,854-49,655,862 gives the same sequence; the c. name uses the placement nearest the transcript's 3' end. VCF-style (leftmost placement, unchanged base first): chr14-49655853-TATAAC-T. GRCh37 (hg19) VCF-style: chr14-50122571-TATAAC-T.
Other names: c.678-15_678-11del (NM_001197330.2); c.756-15_756-11del (NM_001348384.2, NM_001197331.3); c.525-15_525-11del (NM_001348385.2).
Identifiers: ClinVar variation 1920796 (VCV001920796.5), dbSNP rs750989494, ClinGen allele CA7173475.

ClinVar aggregate classification (germline): Uncertain significance (1 of 4 stars; one submission).

Submission:

Labcorp Genetics (formerly Invitae), Labcorp
Classification: Uncertain significance. Last evaluated: 2025-10-21. Review status: criteria provided, single submitter. Criteria: Invitae Variant Classification Sherloc (09022015). Collection method: clinical testing. Allele origin: germline.
Comment: This sequence change falls in intron 10 of the POLE2 gene. It does not directly change the encoded amino acid sequence of the POLE2 protein. This variant is present in population databases (rs750989494, gnomAD 0.002%). This variant has not been reported in the literature in individuals affected with POLE2-related conditions. ClinVar contains an entry for this variant (Variation ID: 1920796). Algorithms developed to predict the effect of sequence changes on RNA splicing suggest that this variant may disrupt the consensus splice site. In summary, the available evidence is currently insufficient to determine the role of this variant in disease. Therefore, it has been classified as a Variant of Uncertain Significance.